The following is an entry in ClinVar:

NM_182972.3(IRF2BP2):c.1606C>G (p.Gln536Glu)

Gene: IRF2BP2 (interferon regulatory factor 2 binding protein 2; minus strand). Cytogenetic location: 1q42.3.
Variant type: single nucleotide variant.
Coding change: c.1606C>G on transcript NM_182972.3 (MANE Select); coding-DNA position 1606, C replaced by G.
Protein change: p.Gln536Glu; replaces glutamine 536 with glutamic acid.
Molecular consequence: missense variant.
Genome position (GRCh38, 1-based): chr1:234,607,295, G>C on the plus strand (C>G on the coding strand, the complement: IRF2BP2 is on the minus strand). VCF-style: chr1-234607295-G-C. GRCh37 (hg19) VCF-style: chr1-234743041-G-C.
Other names: c.1558C>G, p.Gln520Glu (NM_001077397.1); short protein forms Q520E, Q536E.
Identifiers: ClinVar variation 1370879 (VCV001370879.8), dbSNP rs765750383, ClinGen allele CA1461528.

ClinVar aggregate classification (germline): Uncertain significance (1 of 4 stars; one submission).

Allele frequency attached by ClinVar (database versions not stated): gnomAD exomes below 0.00001; ExAC 0.00001; TOPMed 0.00001; gnomAD 0.00002.
gnomAD v4.1: 8 of 1,614,122 alleles (0.0005%); highest among the groups gnomAD compares: African/African-American, 0.0053%; no homozygotes.

Submission:

Labcorp Genetics (formerly Invitae), Labcorp
Classification: Uncertain significance. Last evaluated: 2024-04-30. Review status: criteria provided, single submitter. Criteria: Invitae Variant Classification Sherloc (09022015). Collection method: clinical testing. Allele origin: germline.
Comment: This sequence change replaces glutamine, which is neutral and polar, with glutamic acid, which is acidic and polar, at codon 536 of the IRF2BP2 protein (p.Gln536Glu). This variant is present in population databases (rs765750383, gnomAD 0.008%). This variant has not been reported in the literature in individuals affected with IRF2BP2-related conditions. ClinVar contains an entry for this variant (Variation ID: 1370879). An algorithm developed to predict the effect of missense changes on protein structure and function (PolyPhen-2) suggests that this variant is likely to be disruptive. In summary, the available evidence is currently insufficient to determine the role of this variant in disease. Therefore, it has been classified as a Variant of Uncertain Significance.